The following is an entry in ClinVar:

ClinVar aggregate classification (germline): Pathogenic (1 of 4 stars; one submission).

Conditions:
Primary ciliary dyskinesia 28. Also called: CILIARY DYSKINESIA, PRIMARY, 28, WITH OR WITHOUT SITUS INVERSUS. Identifiers: Orphanet 244, MedGen C3809706, MONDO:0014216, OMIM 615505.

Submission:

Labcorp Genetics (formerly Invitae), Labcorp
Classification: Pathogenic for Primary ciliary dyskinesia 28. Last evaluated: 2025-04-22. Review status: criteria provided, single submitter. Criteria: Invitae Variant Classification Sherloc (09022015). Collection method: clinical testing. Allele origin: germline.
Comment: This sequence change creates a premature translational stop signal (p.Gln333*) in the SPAG1 gene. It is expected to result in an absent or disrupted protein product. Loss-of-function variants in SPAG1 are known to be pathogenic (PMID: 24055112). This variant is not present in population databases (gnomAD no frequency). This variant has not been reported in the literature in individuals affected with SPAG1-related conditions. For these reasons, this variant has been classified as Pathogenic.

Literature cited by the submitters: PubMed 24055112.

NM_003114.5(SPAG1):c.997C>T (p.Gln333Ter)

Gene: SPAG1 (sperm associated antigen 1; plus strand). Cytogenetic location: 8q22.2.
Variant type: single nucleotide variant.
Coding change: c.997C>T on transcript NM_003114.5 (MANE Select); coding-DNA position 997, C replaced by T.
Protein change: p.Gln333Ter; replaces glutamine 333 with a stop codon.
Molecular consequence: nonsense.
Genome position (GRCh38, 1-based): chr8:100,194,169, C>T. VCF-style: chr8-100194169-C-T. GRCh37 (hg19) VCF-style: chr8-101206397-C-T.
Other names: c.997C>T, p.Gln333Ter (NM_001374321.1, NM_172218.3); short protein forms Q333*.
Identifiers: ClinVar variation 4718074 (VCV004718074.1).